The following is an entry in ClinVar:

ClinVar aggregate classification (germline): Conflicting classifications of pathogenicity. Review status: criteria provided, conflicting classifications (1 of 4 stars). 3 submissions from 3 submitters: Uncertain significance (2); Likely benign (1). Last evaluated 2025-11-17.

Conditions:
SERPINF2-related disorder. Also called: SERPINF2-related condition.

Submissions (3):

PreventionGenetics, part of Exact Sciences
Classification: Likely benign for SERPINF2-related condition. Last evaluated: 2025-11-17. Review status: criteria provided, single submitter. Criteria: ACMG Guidelines, 2015. Collection method: clinical testing. Allele origin: germline.
Comment: This variant is classified as likely benign based on ACMG/AMP sequence variant interpretation guidelines (Richards et al. 2015 PMID: 25741868, with internal and published modifications).

Mayo Clinic Laboratories, Mayo Clinic
Classification: Uncertain significance. Last evaluated: 2025-06-06. Review status: criteria provided, single submitter. Criteria: ACMG Guidelines, 2015. Collection method: clinical testing. Allele origin: germline. Observed: 2 variant alleles.
Comment: BS1_supporting

Ambry Genetics
Classification: Uncertain significance. Last evaluated: 2024-04-19. Review status: criteria provided, single submitter. Criteria: Ambry Variant Classification Scheme 2023. Collection method: clinical testing. Allele origin: germline.

NM_000934.4(SERPINF2):c.112G>A (p.Gly38Arg)

Gene: SERPINF2 (serpin family F member 2; plus strand). Cytogenetic location: 17p13.3.
Variant type: single nucleotide variant.
Coding change: c.112G>A on transcript NM_000934.4 (MANE Select); coding-DNA position 112, G replaced by A.
Protein change: p.Gly38Arg; replaces glycine 38 with arginine.
Molecular consequence: missense variant.
Genome position (GRCh38, 1-based): chr17:1,745,342, G>A. VCF-style: chr17-1745342-G-A. GRCh37 (hg19) VCF-style: chr17-1648636-G-A.
Other names: p.Gly38Arg; c.112G>A, p.Gly38Arg (NM_001165920.1, NM_001165921.2); short protein forms G38R.
Identifiers: ClinVar variation 3317638 (VCV003317638.3).